The following is an entry in ClinVar:

ClinVar aggregate classification (germline): Uncertain significance. Review status: criteria provided, multiple submitters, no conflicts (2 of 4 stars). 2 submissions from 2 submitters: Uncertain significance (2). Last evaluated 2026-02-24.

Conditions:
Inborn genetic diseases. Identifiers: MedGen C0950123, MeSH D030342.

Submissions (2):

Ambry Genetics
Classification: Uncertain significance for Inborn genetic diseases. Last evaluated: 2026-02-24. Review status: criteria provided, single submitter. Criteria: Ambry Variant Classification Scheme 2023. Collection method: clinical testing. Allele origin: germline.
Comment: The c.1444G>C (p.E482Q) alteration is located in exon 14 (coding exon 13) of the KIDINS220 gene. This alteration results from a G to C substitution at nucleotide position 1444, causing the glutamic acid (E) at amino acid position 482 to be replaced by a glutamine (Q). Based on data from gnomAD, the C allele has an overall frequency of <0.001% (1/221224) total alleles studied. The highest observed frequency was <0.001% (/) of alleles. Based on insufficient or conflicting evidence, the clinical significance of this alteration remains unclear.

Labcorp Genetics (formerly Invitae), Labcorp
Classification: Uncertain significance. Last evaluated: 2023-08-17. Review status: criteria provided, single submitter. Criteria: Invitae Variant Classification Sherloc (09022015). Collection method: clinical testing. Allele origin: germline.
Comment: This variant is present in population databases (rs745339879, gnomAD 0.004%). In summary, the available evidence is currently insufficient to determine the role of this variant in disease. Therefore, it has been classified as a Variant of Uncertain Significance. An algorithm developed to predict the effect of missense changes on protein structure and function (PolyPhen-2) suggests that this variant is likely to be disruptive. This variant has not been reported in the literature in individuals affected with KIDINS220-related conditions. This sequence change replaces glutamic acid, which is acidic and polar, with glutamine, which is neutral and polar, at codon 482 of the KIDINS220 protein (p.Glu482Gln).

NM_020738.4(KIDINS220):c.1444G>C (p.Glu482Gln)

Gene: KIDINS220 (kinase D interacting substrate 220; minus strand). Cytogenetic location: 2p25.1.
Variant type: single nucleotide variant.
Coding change: c.1444G>C on transcript NM_020738.4 (MANE Select); coding-DNA position 1444, G replaced by C.
Protein change: p.Glu482Gln; replaces glutamic acid 482 with glutamine.
Molecular consequence: missense variant. On other transcripts: non-coding transcript variant (2).
Genome position (GRCh38, 1-based): chr2:8,790,057, C>G on the plus strand (G>C on the coding strand, the complement: KIDINS220 is on the minus strand). VCF-style: chr2-8790057-C-G. GRCh37 (hg19) VCF-style: chr2-8930187-C-G.
Other names: c.1444G>C (NM_020738.2); c.1447G>C, p.Glu483Gln (NM_001348729.2, NM_001348731.2, NM_001348734.2 and 3 more transcripts); c.1444G>C, p.Glu482Gln (NM_001348732.2, NM_001348735.2, NM_001348738.2 and 3 more transcripts); c.1318G>C, p.Glu440Gln (NM_001348736.2); short protein forms E440Q, E483Q, E482Q.
Identifiers: ClinVar variation 2997213 (VCV002997213.4), dbSNP rs745339879, ClinGen allele CA1520182.